The following is an entry in ClinVar:

ClinVar aggregate classification (germline): Uncertain significance (1 of 4 stars; one submission).

Conditions:
Ehlers-Danlos syndrome, musculocontractural type 2 (EDSMC2). Identifiers: Orphanet 2953, MedGen C3809845, MONDO:0014236, OMIM 615539.

Allele frequency attached by ClinVar (database versions not stated): TOPMed below 0.00001.

Submission:

Labcorp Genetics (formerly Invitae), Labcorp
Classification: Uncertain significance for Ehlers-Danlos syndrome, musculocontractural type 2. Last evaluated: 2022-08-23. Review status: criteria provided, single submitter. Criteria: Invitae Variant Classification Sherloc (09022015). Collection method: clinical testing. Allele origin: germline.
Comment: In summary, the available evidence is currently insufficient to determine the role of this variant in disease. Therefore, it has been classified as a Variant of Uncertain Significance. Algorithms developed to predict the effect of missense changes on protein structure and function are either unavailable or do not agree on the potential impact of this missense change (SIFT: "Not Available"; PolyPhen-2: "Probably Damaging"; Align-GVGD: "Not Available"). ClinVar contains an entry for this variant (Variation ID: 1419822). This variant has not been reported in the literature in individuals affected with DSE-related conditions. This variant is not present in population databases (gnomAD no frequency). This sequence change replaces methionine with valine at codon 111 of the DSE protein (p.Met111Val). The methionine residue is highly conserved and there is a small physicochemical difference between methionine and valine.

NM_013352.4(DSE):c.331A>G (p.Met111Val)

Gene: DSE (dermatan sulfate epimerase; plus strand). Cytogenetic location: 6q22.1.
Variant type: single nucleotide variant.
Coding change: c.331A>G on transcript NM_013352.4 (MANE Select); coding-DNA position 331, A replaced by G.
Protein change: p.Met111Val; replaces methionine 111 with valine.
Molecular consequence: missense variant. On other transcripts: 5 prime UTR variant (4), non-coding transcript variant (1).
Genome position (GRCh38, 1-based): chr6:116,399,581, A>G. VCF-style: chr6-116399581-A-G. GRCh37 (hg19) VCF-style: chr6-116720744-A-G.
Other names: c.331A>G, p.Met111Val (NM_001080976.3, NM_001322937.2, NM_001322938.2 and 3 more transcripts); c.388A>G, p.Met130Val (NM_001322939.2); c.-227A>G (NM_001322940.2, NM_001322941.2); c.-570A>G (NM_001374520.1); c.-257A>G (NM_001374521.1); short protein forms M111V, M130V.
Identifiers: ClinVar variation 1419822 (VCV001419822.8), dbSNP rs866132678, ClinGen allele CA146391175.
Genomic context (GRCh38, chr6:116,399,581, plus strand): 5'-CCCAAGGACTACAGTGCCCGCTGGAATGAAATTTTTGGAAACAACTTGGGTGCCTTGGCA[A>G]TGTTCTGTGTGCTGTATCCTGAGAACATTGAAGCCCGAGACATGGCCAAAGACTACATGG-3'
Protein context (NP_037484.1, residues 101-121): IFGNNLGALA[Met111Val]FCVLYPENIE